The following is an entry in ClinVar:

ClinVar aggregate classification (germline): Uncertain significance (1 of 4 stars; one submission).

Conditions:
Autosomal recessive nonsyndromic hearing loss 37. Identifiers: Orphanet 90636, MedGen C1843028, MONDO:0011912, OMIM 607821.

Allele frequency attached by ClinVar (database versions not stated): gnomAD exomes below 0.00001 and 0.00002; gnomAD 0.00001; ExAC 0.00002; 1000 Genomes Project 30x 0.00016; 1000 Genomes Project 0.00020.
gnomAD v4.1: 3 of 1,613,902 alleles (0.00019%); highest among the groups gnomAD compares: East Asian, 0.0045%; no homozygotes.

Submission:

3billion
Classification: Uncertain significance for Autosomal recessive nonsyndromic hearing loss 37. Last evaluated: 2022-05-22. Review status: criteria provided, single submitter. Criteria: ACMG Guidelines, 2015. Collection method: clinical testing. Allele origin: germline. Affected: yes. Observed: 1 heterozygote.
Comment: The variant is observed at an extremely low frequency in the gnomAD v2.1.1 dataset (total allele frequency: 0.002%). In silico tool predictions suggest damaging effect of the variant on gene or gene product (REVEL: 0.78; 3Cnet: 0.54). Therefore, this variant is classified as uncertain significanceaccording to the recommendation of ACMG/AMP guideline.

NM_004999.4(MYO6):c.2309T>C (p.Met770Thr)

Gene: MYO6 (myosin VI; plus strand). Cytogenetic location: 6q14.1.
Variant type: single nucleotide variant.
Coding change: c.2309T>C on transcript NM_004999.4 (MANE Select); coding-DNA position 2309, T replaced by C.
Protein change: p.Met770Thr; replaces methionine 770 with threonine.
Molecular consequence: missense variant. On other transcripts: non-coding transcript variant (1).
Genome position (GRCh38, 1-based): chr6:75,881,711, T>C. VCF-style: chr6-75881711-T-C. GRCh37 (hg19) VCF-style: chr6-76591428-T-C.
Other names: c.2309T>C, p.Met770Thr (NM_001368866.1, NM_001300899.2, NM_001368136.1 and 2 more transcripts); c.2294T>C, p.Met765Thr (NM_001368138.1); short protein forms M765T, M770T.
Identifiers: ClinVar variation 1687183 (VCV001687183.1), dbSNP rs202216621, ClinGen allele CA3897347.
Genomic context (GRCh38, chr6:75,881,711, plus strand): 5'-ATATTTTAATACTGATACTAAATTATTTCACTTCCTAGTTTGCAGAATTTGATCAGATCA[T>C]GAAGTCTGACCCTGACCACTTAGCAGAGTTGGTTAAAAGAGTCAATCACTGGCTCACATG-3'
Protein context (NP_004990.3, residues 760-780): PGKFAEFDQI[Met770Thr]KSDPDHLAEL